The following is an entry in ClinVar:

ClinVar aggregate classification (germline): Uncertain significance. Review status: criteria provided, multiple submitters, no conflicts (2 of 4 stars). 5 submissions from 5 submitters: Uncertain significance (4). 1 of the submissions does not count toward it. Last evaluated 2023-06-25.

Conditions:
Pancreatic hypoplasia. Identifiers: MedGen C0266267, HP:0002594.
Pancreatic agenesis 1 (PAGEN1). Also called: PANCREATIC HYPOPLASIA, CONGENITAL. Identifiers: Orphanet 2805, MedGen C3891828, MONDO:0024547, OMIM 260370.
Type 2 diabetes mellitus. Also called: Type II diabetes mellitus. Identifiers: MedGen C0011860, MeSH D003924, MONDO:0005148, OMIM 125853, HP:0005978.
Maturity-onset diabetes of the young type 4 (MODY4). Also called: Maturity-onset diabetes of the young, type IV; MODY, type IV. Identifiers: Orphanet 552, MedGen C1833382, MONDO:0011667, OMIM 606392.

Allele frequency attached by ClinVar (database versions not stated): TOPMed 0.00001; gnomAD 0.00002.
gnomAD v4.1: 40 of 1,549,648 alleles (0.0026%); highest among the groups gnomAD compares: Non-Finnish European, 0.0033%; no homozygotes.

Submissions (5):

Labcorp Genetics (formerly Invitae), Labcorp
Classification: Uncertain significance. Last evaluated: 2023-06-25. Review status: criteria provided, single submitter. Criteria: Invitae Variant Classification Sherloc (09022015). Collection method: clinical testing. Allele origin: germline.
Comment: In summary, the available evidence is currently insufficient to determine the role of this variant in disease. Therefore, it has been classified as a Variant of Uncertain Significance. Advanced modeling of protein sequence and biophysical properties (such as structural, functional, and spatial information, amino acid conservation, physicochemical variation, residue mobility, and thermodynamic stability) performed at Invitae indicates that this missense variant is not expected to disrupt PDX1 protein function. ClinVar contains an entry for this variant (Variation ID: 586037). This missense change has been observed in individual(s) with type 2 diabetes mellitus (PMID: 21569088). This variant is present in population databases (no rsID available, gnomAD 0.02%). This sequence change replaces glycine, which is neutral and non-polar, with alanine, which is neutral and non-polar, at codon 3 of the PDX1 protein (p.Gly3Ala).

Fulgent Genetics
Classification: Uncertain significance for Type 2 diabetes mellitus; Pancreatic agenesis 1; Maturity-onset diabetes of the young type 4. Last evaluated: 2022-03-16. Review status: criteria provided, single submitter. Criteria: ACMG Guidelines, 2015. Collection method: clinical testing. Allele origin: unknown.

Athena Diagnostics
Classification: Uncertain significance. Last evaluated: 2022-01-19. Review status: criteria provided, single submitter. Criteria: Athena Diagnostics Criteria. Collection method: clinical testing. Allele origin: unknown.

Clinical Genomics, Uppaluri K&H Personalized Medicine Clinic
Classification: Uncertain significance for Pancreatic hypoplasia. Review status: criteria provided, single submitter. Criteria: K & H Uppaluri Personalized Medicine Clinic Variant Classification & Assertion Criteria_Updated V.1. Collection method: research. Allele origin: unknown. Inheritance: Autosomal dominant inheritance.
Comment: Potent homozygous mutations in the PDX1 gene can lead to pancreatic agenesis/pancreatic hypoplasia and neonatal diabetes mellitus. However no sufficient evidence is found to ascertain the role of this particular variant rs1380564366 , yet.

Genetic Services Laboratory, University of Chicago
Classification: Uncertain significance. Last evaluated: 2022-07-14. Review status: no assertion criteria provided. Collection method: clinical testing. Allele origin: germline. Affected: no. Not counted in ClinVar's aggregate classification.
Comment: DNA sequence analysis of the PDX1 gene demonstrated a sequence change, c.8G>C, in exon 1 that results in an amino acid change, p.Gly3Ala. This sequence change does not appear to have been previously described in individuals with PDX1-related disorders. This sequence change has been described in the gnomAD database with a frequency of 0.039% in the non-Finnish European subpopulation, and 0.0096% in the overall population (dbSNP rs1380564366). The p.Gly3Ala change affects a moderately conserved amino acid residue located in a domain of the PDX1 protein that is not known to be functional. The p.Gly3Ala substitution appears to be benign using several in-silico pathogenicity prediction tools (SIFT, PolyPhen2, Align GVGD, REVEL). Due to insufficient evidences and the lack of functional studies, the clinical significance of the p.Gly3Ala change remains unknown at this time.

Literature cited by the submitters: PubMed 21569088 (cited by Labcorp Genetics (formerly Invitae), Labcorp and Clinical Genomics, Uppaluri K&H Personalized Medicine Clinic).

NM_000209.4(PDX1):c.8G>C (p.Gly3Ala)

Gene: PDX1 (pancreatic and duodenal homeobox 1; plus strand). Cytogenetic location: 13q12.2.
Variant type: single nucleotide variant.
Coding change: c.8G>C on transcript NM_000209.4 (MANE Select); coding-DNA position 8, G replaced by C.
Protein change: p.Gly3Ala; replaces glycine 3 with alanine.
Molecular consequence: missense variant.
Genome position (GRCh38, 1-based): chr13:27,920,146, G>C. VCF-style: chr13-27920146-G-C. GRCh37 (hg19) VCF-style: chr13-28494283-G-C.
Other names: short protein forms G3A.
Identifiers: ClinVar variation 586037 (VCV000586037.8), dbSNP rs1380564366, ClinGen allele CA387643220.
Genomic context (GRCh38, chr13:27,920,146, plus strand): 5'-CGACTCCCGGCTCCCGGCTCCCGGCTCCCGGTGCCCAATCCCGGGCCGCAGCCATGAACG[G>C]CGAGGAGCAGTACTACGCGGCCACGCAGCTTTACAAGGACCCATGCGCGTTCCAGCGAGG-3'
Protein context (NP_000200.1, residues 1-13): MN[Gly3Ala]EEQYYAATQL